The following is an entry in ClinVar:

NM_001080467.3(MYO5B):c.1435A>C (p.Met479Leu)

Gene: MYO5B (myosin VB; minus strand). Cytogenetic location: 18q21.1.
Variant type: single nucleotide variant.
Coding change: c.1435A>C on transcript NM_001080467.3 (MANE Select); coding-DNA position 1435, A replaced by C.
Protein change: p.Met479Leu; replaces methionine 479 with leucine.
Molecular consequence: missense variant.
Genome position (GRCh38, 1-based): chr18:49,962,376, T>G on the plus strand (A>C on the coding strand, the complement: MYO5B is on the minus strand). VCF-style: chr18-49962376-T-G. GRCh37 (hg19) VCF-style: chr18-47488746-T-G.
Other names: short protein forms M479L.
Identifiers: ClinVar variation 1368578 (VCV001368578.8), dbSNP rs778573108, ClinGen allele CA402430137.

ClinVar aggregate classification (germline): Uncertain significance (1 of 4 stars; one submission).

Submission:

Labcorp Genetics (formerly Invitae), Labcorp
Classification: Uncertain significance. Last evaluated: 2022-09-01. Review status: criteria provided, single submitter. Criteria: Invitae Variant Classification Sherloc (09022015). Collection method: clinical testing. Allele origin: germline.
Comment: This sequence change replaces methionine, which is neutral and non-polar, with leucine, which is neutral and non-polar, at codon 479 of the MYO5B protein (p.Met479Leu). This variant is not present in population databases (gnomAD no frequency). This variant has not been reported in the literature in individuals affected with MYO5B-related conditions. ClinVar contains an entry for this variant (Variation ID: 1368578). Algorithms developed to predict the effect of missense changes on protein structure and function are either unavailable or do not agree on the potential impact of this missense change (SIFT: "Deleterious"; PolyPhen-2: "Benign"; Align-GVGD: "Class C0"). In summary, the available evidence is currently insufficient to determine the role of this variant in disease. Therefore, it has been classified as a Variant of Uncertain Significance.